The following is an entry in ClinVar:

NM_001267550.2(TTN):c.77026del (p.Thr25676fs)

Genes: TTN (titin; minus strand), TTN-AS1 (TTN antisense RNA 1; plus strand). Cytogenetic location: 2q31.2.
Variant type: Deletion.
Coding change: c.77026del on transcript NM_001267550.2 (MANE Select); coding-DNA position 77026, one base deleted (A; older notation c.77026delA).
Protein change: p.Thr25676fs; shifts the reading frame from threonine 25676.
Molecular consequence: frameshift variant.
Genome position (GRCh38, 1-based): chr2:178,569,106, T deleted on the plus strand (A on the coding strand, the reverse complement: TTN is on the minus strand). VCF-style (leftmost placement, unchanged base first): chr2-178569105-GT-G. GRCh37 (hg19) VCF-style: chr2-179433832-GT-G.
Other names: c.49831del, p.Thr16611fs (NM_003319.4); c.69322del, p.Thr23108fs (NM_133378.4); c.50206del, p.Thr16736fs (NM_133432.3); c.50407del, p.Thr16803fs (NM_133437.4); c.72103del, p.Thr24035fs (NM_001256850.1); short protein forms T16803fs, T24035fs, T25676fs, T16736fs, T16611fs, T23108fs.
Identifiers: ClinVar variation 1521271 (VCV001521271.8), dbSNP rs2154167529, ClinGen allele CA2573133029.

ClinVar aggregate classification (germline): Likely pathogenic (1 of 4 stars; one submission).

Conditions:
Dilated cardiomyopathy 1G (CMD1G). Identifiers: Orphanet 154, MedGen C1858763, MONDO:0011400, OMIM 604145.
Autosomal recessive limb-girdle muscular dystrophy type 2J (LGMDR10). Also called: Limb-girdle muscular dystrophy, type 2J; MUSCULAR DYSTROPHY, LIMB-GIRDLE, AUTOSOMAL RECESSIVE 10. Identifiers: Orphanet 140922, MedGen C1837342, MONDO:0012127, OMIM 608807.

Submission:

Labcorp Genetics (formerly Invitae), Labcorp
Classification: Likely pathogenic for Dilated cardiomyopathy 1G; Autosomal recessive limb-girdle muscular dystrophy type 2J. Last evaluated: 2021-05-29. Review status: criteria provided, single submitter. Criteria: Invitae Variant Classification Sherloc (09022015). Collection method: clinical testing. Allele origin: germline.
Comment: In summary, the currently available evidence indicates that the variant is pathogenic, but additional data are needed to prove that conclusively. Therefore, this variant has been classified as Likely Pathogenic. This variant is located in the A band of TTN (PMID: 25589632). Truncating variants in this region are significantly overrepresented in patients affected with dilated cardiomyopathy (PMID: 25589632). Truncating variants in this region have also been reported in individuals affected with autosomal recessive centronuclear myopathy (PMID: 23975875). This variant has not been reported in the literature in individuals with TTN-related conditions. This variant is not present in population databases (ExAC no frequency). This sequence change creates a premature translational stop signal (p.Thr25676Glnfs*30) in the TTN gene. While this is not anticipated to result in nonsense mediated decay, it is expected to create a truncated TTN protein.

Literature cited by the submitters: PubMed 25589632; PubMed 23975875.